The following is an entry in ClinVar:

ClinVar aggregate classification (germline): Likely benign. Review status: criteria provided, single submitter (1 of 4 stars). 2 submissions from 2 submitters: Likely benign (1). 1 of the submissions does not count toward it. Last evaluated 2024-04-04.

Conditions:
NPHP3-related disorder. Also called: NPHP3-related disorders; NPHP3-related condition. Identifiers: MedGen CN379163.
Nephronophthisis. Also called: Juvenile Nephronophthisis. Identifiers: Orphanet 655, MedGen C0687120, MONDO:0019005, HP:0000090.

Submissions (2):

Labcorp Genetics (formerly Invitae), Labcorp
Classification: Likely benign for Nephronophthisis. Last evaluated: 2024-04-04. Review status: criteria provided, single submitter. Criteria: Invitae Variant Classification Sherloc (09022015). Collection method: clinical testing. Allele origin: germline.

PreventionGenetics, part of Exact Sciences
Classification: Likely benign for NPHP3-related condition. Last evaluated: 2021-12-09. Review status: no assertion criteria provided. Collection method: clinical testing. Allele origin: germline. Not counted in ClinVar's aggregate classification.
Comment: This variant is classified as likely benign based on ACMG/AMP sequence variant interpretation guidelines (Richards et al. 2015 PMID: 25741868, with internal and published modifications).

NM_153240.5(NPHP3):c.2884-8C>A

Genes: NPHP3 (nephrocystin 3; minus strand), NPHP3-ACAD11 (NPHP3-ACAD11 readthrough (NMD candidate); minus strand). Cytogenetic location: 3q22.1.
Variant type: single nucleotide variant.
Coding change: c.2884-8C>A on transcript NM_153240.5 (MANE Select); 8 bases into the intron before coding-DNA position 2884, C replaced by A.
Molecular consequence: intron variant.
Genome position (GRCh38, 1-based): chr3:132,688,899, G>T on the plus strand (C>A on the coding strand, the complement: NPHP3 is on the minus strand). VCF-style: chr3-132688899-G-T. GRCh37 (hg19) VCF-style: chr3-132407743-G-T.
Other names: c.2884-8C>A (NM_153240.4).
Identifiers: ClinVar variation 1139607 (VCV001139607.11), dbSNP rs757300023, ClinGen allele CA2621888.